The following is an entry in ClinVar:

ClinVar aggregate classification (germline): Uncertain significance (1 of 4 stars; one submission).

Submission:

Greenwood Genetic Center Diagnostic Laboratories, Greenwood Genetic Center
Classification: Uncertain significance. Last evaluated: 2026-05-06. Review status: criteria provided, single submitter. Criteria: ACMG Guidelines, 2015. Collection method: clinical testing. Allele origin: germline.
Comment: PM2, PP2

NM_004371.4(COPA):c.772C>A (p.His258Asn)

Gene: COPA (coat protein complex I subunit alpha; minus strand). Cytogenetic location: 1q23.2.
Variant type: single nucleotide variant.
Coding change: c.772C>A on transcript NM_004371.4 (MANE Select); coding-DNA position 772, C replaced by A.
Protein change: p.His258Asn; replaces histidine 258 with asparagine.
Molecular consequence: missense variant.
Genome position (GRCh38, 1-based): chr1:160,314,060, G>T on the plus strand (C>A on the coding strand, the complement: COPA is on the minus strand). VCF-style: chr1-160314060-G-T. GRCh37 (hg19) VCF-style: chr1-160283850-G-T.
Other names: c.772C>A, p.His258Asn (NM_001098398.2); short protein forms H258N.
Identifiers: ClinVar variation 4891056 (VCV004891056.1).